The following is an entry in ClinVar:

NM_022726.4(ELOVL4):c.*40A>C

Gene: ELOVL4 (ELOVL fatty acid elongase 4; minus strand). Cytogenetic location: 6q14.1.
Variant type: single nucleotide variant.
Coding change: c.*40A>C on transcript NM_022726.4 (MANE Select); 40 bases downstream of the stop codon, A replaced by C.
Molecular consequence: 3 prime UTR variant.
Genome position (GRCh38, 1-based): chr6:79,916,568, T>G on the plus strand (A>C on the coding strand, the complement: ELOVL4 is on the minus strand). VCF-style: chr6-79916568-T-G. GRCh37 (hg19) VCF-style: chr6-80626285-T-G.
Identifiers: ClinVar variation 358144 (VCV000358144.5), dbSNP rs185190995, ClinGen allele CA3901426.

ClinVar aggregate classification (germline): Likely benign (1 of 4 stars; one submission).

Conditions:
Stargardt disease 3. Also called: MACULAR DYSTROPHY WITH FLECKS, TYPE 3; STARGARDT-LIKE MACULAR DYSTROPHY, AUTOSOMAL DOMINANT. Identifiers: Orphanet 827, MedGen C1838644, MONDO:0010819, OMIM 600110.

Allele frequency attached by ClinVar (database versions not stated): 1000 Genomes Project 30x 0.00016; 1000 Genomes Project 0.00020; gnomAD 0.00088 and 0.00091; TOPMed 0.00088; ESP Exome Variant Server 0.00100.
gnomAD v4.1: 2,371 of 1,611,580 alleles (0.15%); highest among the groups gnomAD compares: Non-Finnish European, 0.18%; 5 homozygotes.

Submission:

Illumina Laboratory Services, Illumina
Classification: Likely benign for Stargardt disease 3. Last evaluated: 2018-01-13. Review status: criteria provided, single submitter. Criteria: ICSL Variant Classification Criteria 13 December 2019. Collection method: clinical testing. Allele origin: germline.
Comment: This variant was observed in the ICSL laboratory as part of a predisposition screen in an ostensibly healthy population. It had not been previously curated by ICSL or reported in the Human Gene Mutation Database (HGMD: prior to June 1st, 2018), and was therefore a candidate for classification through an automated scoring system. Utilizing variant allele frequency, disease prevalence and penetrance estimates, and inheritance mode, an automated score was calculated to assess if this variant is too frequent to cause the disease. Based on the score and internal cut-off values, a variant classified as likely benign is not then subjected to further curation. The score for this variant resulted in a classification of likely benign for this disease.